The following is an entry in ClinVar:

NM_004415.4(DSP):c.8588C>T (p.Ser2863Leu)

Gene: DSP (desmoplakin; plus strand). Cytogenetic location: 6p24.3.
Variant type: single nucleotide variant.
Coding change: c.8588C>T on transcript NM_004415.4 (MANE Select); coding-DNA position 8588, C replaced by T.
Protein change: p.Ser2863Leu; replaces serine 2863 with leucine.
Molecular consequence: missense variant.
Genome position (GRCh38, 1-based): chr6:7,585,850, C>T. VCF-style: chr6-7585850-C-T. GRCh37 (hg19) VCF-style: chr6-7586083-C-T.
Other names: c.6791C>T, p.Ser2264Leu (NM_001008844.3); c.7259C>T, p.Ser2420Leu (NM_001319034.2); short protein forms S2264L, S2420L, S2863L.
Identifiers: ClinVar variation 2928563 (VCV002928563.3), dbSNP rs1164404788, ClinGen allele CA362695441.

ClinVar aggregate classification (germline): Uncertain significance (1 of 4 stars; one submission).

Conditions:
Arrhythmogenic cardiomyopathy with wooly hair and keratoderma. Also called: Arrhythmogenic cardiomyopathy with woolly hair and keratoderma; Dilated cardiomyopathy with woolly hair and keratoderma; PALMOPLANTAR KERATODERMA WITH LEFT VENTRICULAR CARDIOMYOPATHY AND WOOLLY HAIR; Carvajal syndrome. Identifiers: Orphanet 65282, MedGen C1854063, MONDO:0011581, OMIM 605676.
Arrhythmogenic right ventricular dysplasia 8 (ARVD8). Also called: Arrhythmogenic Right Ventricular Dysplasia/Cardiomyopathy 8; ARRHYTHMOGENIC RIGHT VENTRICULAR DYSPLASIA, FAMILIAL, 8; ARRHYTHMOGENIC RIGHT VENTRICULAR CARDIOMYOPATHY 8. Identifiers: MedGen C1843896, MONDO:0011831, OMIM 607450.

Allele frequency attached by ClinVar (database versions not stated): gnomAD exomes below 0.00001.
gnomAD v4.1: 1 of 1,614,086 alleles (0.000062%); highest among the groups gnomAD compares: South Asian, 0.0011%; no homozygotes.

Submission:

Labcorp Genetics (formerly Invitae), Labcorp
Classification: Uncertain significance for Arrhythmogenic cardiomyopathy with wooly hair and keratoderma; Arrhythmogenic right ventricular dysplasia 8. Last evaluated: 2023-05-02. Review status: criteria provided, single submitter. Criteria: Invitae Variant Classification Sherloc (09022015). Collection method: clinical testing. Allele origin: germline.
Comment: In summary, the available evidence is currently insufficient to determine the role of this variant in disease. Therefore, it has been classified as a Variant of Uncertain Significance. An algorithm developed to predict the effect of missense changes on protein structure and function (PolyPhen-2) suggests that this variant is likely to be tolerated. This variant has not been reported in the literature in individuals affected with DSP-related conditions. This variant is not present in population databases (gnomAD no frequency). This sequence change replaces serine, which is neutral and polar, with leucine, which is neutral and non-polar, at codon 2863 of the DSP protein (p.Ser2863Leu).